The following is an entry in ClinVar:

ClinVar aggregate classification (germline): Uncertain significance. Review status: criteria provided, multiple submitters, no conflicts (2 of 4 stars). 6 submissions from 6 submitters: Uncertain significance (4). 2 of the submissions do not count toward it. Last evaluated 2026-01-04.

Conditions:
Hypertrophic cardiomyopathy. Also called: HYPERTROPHIC MYOCARDIOPATHY. Identifiers: Orphanet 217569, MedGen C0007194, MeSH D002312, MONDO:0005045, HP:0001639.
Cardiomyopathy (CMYO). Also called: Cardiomyopathies. Identifiers: Orphanet 167848, MedGen C0878544, MONDO:0004994, HP:0001638. Inheritance: Various modes of inheritance.

Allele frequency attached by ClinVar (database versions not stated): gnomAD exomes 0.00001 and 0.00002; TOPMed 0.00001; gnomAD 0.00003.
gnomAD v4.1: 32 of 1,614,076 alleles (0.002%); highest among the groups gnomAD compares: East Asian, 0.0045%; no homozygotes.

Submissions (6):

Labcorp Genetics (formerly Invitae), Labcorp
Classification: Uncertain significance for Hypertrophic cardiomyopathy. Last evaluated: 2026-01-04. Review status: criteria provided, single submitter. Criteria: Invitae Variant Classification Sherloc (09022015). Collection method: clinical testing. Allele origin: germline.
Comment: This sequence change replaces asparagine, which is neutral and polar, with serine, which is neutral and polar, at codon 1623 of the MYH7 protein (p.Asn1623Ser). This variant is present in population databases (no rsID available, gnomAD 0.003%). This variant has not been reported in the literature in individuals affected with MYH7-related conditions. ClinVar contains an entry for this variant (Variation ID: 525032). Invitae Evidence Modeling of protein sequence and biophysical properties (such as structural, functional, and spatial information, amino acid conservation, physicochemical variation, residue mobility, and thermodynamic stability) indicates that this missense variant is expected to disrupt MYH7 protein function with a positive predictive value of 95%. In summary, the available evidence is currently insufficient to determine the role of this variant in disease. Therefore, it has been classified as a Variant of Uncertain Significance.

GeneDx
Classification: Uncertain significance. Last evaluated: 2025-05-31. Review status: criteria provided, single submitter. Criteria: GeneDx Variant Classification Process June 2021. Collection method: clinical testing. Allele origin: germline. Affected: yes.
Comment: Not observed at significant frequency in large population cohorts (gnomAD); In silico analysis supports that this missense variant has a deleterious effect on protein structure/function; Has not been previously published as pathogenic or benign to our knowledge

All of Us Research Program, National Institutes of Health
Classification: Uncertain significance for Cardiomyopathy. Last evaluated: 2023-12-13. Review status: criteria provided, single submitter. Criteria: ACMG Guidelines, 2015. Collection method: clinical testing. Allele origin: germline. Inheritance: Autosomal dominant inheritance. Observed: 3 variant alleles, 3 heterozygotes.
Comment: This missense variant replaces asparagine with serine at codon 1623 of the MYH7 protein. Computational prediction suggests that this variant may not impact protein structure and function (internally defined REVEL score threshold <= 0.5, PMID: 27666373). To our knowledge, functional studies have not been reported for this variant. This variant has not been reported in individuals affected with MYH7-related disorders in the literature. This variant has been identified in 4/282880 chromosomes in the general population by the Genome Aggregation Database (gnomAD). The available evidence is insufficient to determine the role of this variant in disease conclusively. Therefore, this variant is classified as a Variant of Uncertain Significance.

This study involves interpretation of variants in research participants for the purpose of population health screening. Participant phenotype was not available at the time of variant classification. Additional details can be found in publication PMID: 35346344, PMCID: PMC8962531

Color Diagnostics, LLC DBA Color Health
Classification: Uncertain significance for Cardiomyopathy. Last evaluated: 2023-07-06. Review status: criteria provided, single submitter. Criteria: ACMG Guidelines, 2015. Collection method: clinical testing. Allele origin: germline.
Comment: This missense variant replaces asparagine with serine at codon 1623 of the MYH7 protein. Computational prediction suggests that this variant may not impact protein structure and function (internally defined REVEL score threshold <= 0.5, PMID: 27666373). To our knowledge, functional studies have not been reported for this variant. This variant has not been reported in individuals affected with MYH7-related disorders in the literature. This variant has been identified in 4/282880 chromosomes in the general population by the Genome Aggregation Database (gnomAD). The available evidence is insufficient to determine the role of this variant in disease conclusively. Therefore, this variant is classified as a Variant of Uncertain Significance.

Diagnostic Laboratory, Department of Genetics, University Medical Center Groningen
Classification: Uncertain significance. Review status: no assertion criteria provided. Collection method: clinical testing. Allele origin: germline. Affected: yes. Study: VKGL Data-share Consensus. Not counted in ClinVar's aggregate classification.

Joint Genome Diagnostic Labs from Nijmegen and Maastricht, Radboudumc and MUMC+
Classification: Uncertain significance. Review status: no assertion criteria provided. Collection method: clinical testing. Allele origin: germline. Affected: yes. Study: VKGL Data-share Consensus. Not counted in ClinVar's aggregate classification.

NM_000257.4(MYH7):c.4868A>G (p.Asn1623Ser)

Genes: MHRT (myosin heavy chain associated RNA transcript; plus strand), MYH7 (myosin heavy chain 7; minus strand), LOC126861897 (BRD4-independent group 4 enhancer GRCh37_chr14:23884455-23885654; plus strand). Cytogenetic location: 14q11.2.
Variant type: single nucleotide variant.
Coding change: c.4868A>G on transcript NM_000257.4 (MANE Select); coding-DNA position 4868, A replaced by G.
Protein change: p.Asn1623Ser; replaces asparagine 1623 with serine.
Molecular consequence: missense variant. On other transcripts: non-coding transcript variant (1).
Genome position (GRCh38, 1-based): chr14:23,416,089, T>C on the plus strand (A>G on the coding strand, the complement: MYH7 is on the minus strand). VCF-style: chr14-23416089-T-C. GRCh37 (hg19) VCF-style: chr14-23885298-T-C.
Other names: c.4868A>G (NM_000257.2); short protein forms N1623S.
Identifiers: ClinVar variation 525032 (VCV000525032.18), dbSNP rs1306407579, ClinGen allele CA389037470.
Genomic context (GRCh38, chr14:23,416,089, plus strand): 5'-ACTTGCTTCTGGGCCTCGGCGGCCATGCGGTTGGCGTGGCTGAGCTGGATCTCCATCTCA[T>C]TGAGGTCTCCTTCCATCTTCTTCTTCACCCTCAGGGCCTCGTTGCGGCTGCGTGTCTCTG-3'
Protein context (NP_000248.2, residues 1613-1633): RVKKKMEGDL[Asn1623Ser]EMEIQLSHAN